The following is an entry in ClinVar:

NM_020207.7(ERCC6L2):c.305C>A (p.Ser102Tyr)

Gene: ERCC6L2 (ERCC excision repair 6 like 2; plus strand). Cytogenetic location: 9q22.32.
Variant type: single nucleotide variant.
Coding change: c.305C>A on transcript NM_020207.7 (MANE Select); coding-DNA position 305, C replaced by A.
Protein change: p.Ser102Tyr; replaces serine 102 with tyrosine.
Molecular consequence: missense variant. On other transcripts: non-coding transcript variant (1).
Genome position (GRCh38, 1-based): chr9:95,881,127, C>A. VCF-style: chr9-95881127-C-A. GRCh37 (hg19) VCF-style: chr9-98643409-C-A.
Other names: c.305C>A, p.Ser102Tyr (NM_001010895.4, NM_001375291.1, NM_001375292.1 and 2 more transcripts); short protein forms S102Y.
Identifiers: ClinVar variation 3845875 (VCV003845875.1).
Genomic context (GRCh38, chr9:95,881,127, plus strand): 5'-TTATATTTGATGATGAAGATTTAGAAAAACCTTATTTCCCAAACCGAAAATTTCCATCAT[C>A]TTCTGTTGCTTTTAAATTATCTGACAATGGAGACTCTATTCCTTATACCATCAATAGGTA-3'
Protein context (NP_064592.3, residues 92-112): PYFPNRKFPS[Ser102Tyr]SVAFKLSDNG

ClinVar aggregate classification (germline): Uncertain significance (1 of 4 stars; one submission).

Conditions:
Inborn genetic diseases. Identifiers: MedGen C0950123, MeSH D030342.

Submission:

Ambry Genetics
Classification: Uncertain significance for Inborn genetic diseases. Last evaluated: 2025-01-14. Review status: criteria provided, single submitter. Criteria: Ambry Variant Classification Scheme 2023. Collection method: clinical testing. Allele origin: germline.
Comment: The p.S102Y variant (also known as c.305C>A), located in coding exon 2 of the ERCC6L2 gene, results from a C to A substitution at nucleotide position 305. The serine at codon 102 is replaced by tyrosine, an amino acid with dissimilar properties. This amino acid position is conserved. In addition, the in silico prediction for this alteration is inconclusive. Based on the available evidence, the clinical significance of this variant remains unclear.